The following is an entry in ClinVar:

NM_001378120.1(MBD5):c.1564C>T (p.Pro522Ser)

Gene: MBD5 (methyl-CpG binding domain protein 5; plus strand). Cytogenetic location: 2q23.1.
Variant type: single nucleotide variant.
Coding change: c.1564C>T on transcript NM_001378120.1 (MANE Select); coding-DNA position 1564, C replaced by T.
Protein change: p.Pro522Ser; replaces proline 522 with serine.
Molecular consequence: missense variant.
Genome position (GRCh38, 1-based): chr2:148,469,507, C>T. VCF-style: chr2-148469507-C-T. GRCh37 (hg19) VCF-style: chr2-149227076-C-T.
Other names: c.1564C>T, p.Pro522Ser (NM_018328.5); short protein forms P522S.
Identifiers: ClinVar variation 536662 (VCV000536662.10), dbSNP rs1161083244, ClinGen allele CA348719958.

ClinVar aggregate classification (germline): Uncertain significance (1 of 4 stars; one submission).

Conditions:
Intellectual developmental disorder, autosomal dominant 1. Also called: Intellectual disability, autosomal dominant 1; MBD5 Haploinsufficiency. Identifiers: Orphanet 228402, MedGen C1969562, MONDO:0007974, OMIM 156200.

Allele frequency attached by ClinVar (database versions not stated): gnomAD 0.00008 and 0.00006; gnomAD exomes 0.00003 and 0.00001; TOPMed 0.00011.
gnomAD v4.1: 21 of 1,613,684 alleles (0.0013%); highest among the groups gnomAD compares: Admixed American, 0.032%; no homozygotes.

Submission:

Labcorp Genetics (formerly Invitae), Labcorp
Classification: Uncertain significance for Intellectual developmental disorder, autosomal dominant 1. Last evaluated: 2026-01-19. Review status: criteria provided, single submitter. Criteria: Invitae Variant Classification Sherloc (09022015). Collection method: clinical testing. Allele origin: germline.
Comment: This sequence change replaces proline, which is neutral and non-polar, with serine, which is neutral and polar, at codon 522 of the MBD5 protein (p.Pro522Ser). This variant is present in population databases (no rsID available, gnomAD 0.02%). This variant has not been reported in the literature in individuals affected with MBD5-related conditions. ClinVar contains an entry for this variant (Variation ID: 536662). Invitae Evidence Modeling of protein sequence and biophysical properties (such as structural, functional, and spatial information, amino acid conservation, physicochemical variation, residue mobility, and thermodynamic stability) indicates that this missense variant is not expected to disrupt MBD5 protein function with a negative predictive value of 80%. In summary, the available evidence is currently insufficient to determine the role of this variant in disease. Therefore, it has been classified as a Variant of Uncertain Significance.